The following is an entry in ClinVar:

ClinVar aggregate classification (germline): Pathogenic/Likely pathogenic. Review status: criteria provided, multiple submitters, no conflicts (2 of 4 stars). 3 submissions from 3 submitters: Pathogenic (1); Likely pathogenic (1). 1 of the submissions does not count toward it. Last evaluated 2025-04-11.

Conditions:
Wilson disease (WND). Also called: Wilson's disease. Identifiers: Orphanet 905, MedGen C0019202, MONDO:0010200, OMIM 277900. Disease mechanism: loss of function.

gnomAD v4.1: 1 of 1,614,192 alleles (0.000062%); highest among the groups gnomAD compares: East Asian, 0.0022%; no homozygotes.

Submissions (3):

Natera, Inc.
Classification: Likely pathogenic for Wilson disease. Last evaluated: 2025-04-11. Review status: criteria provided, single submitter. Criteria: Natera Variant Classification Schema (03/2026). Collection method: clinical testing. Allele origin: germline.
Comment: The c.3800A>C variant in ATP7B is a missense variant predicted to cause substitution of aspartic acid to alanine at amino acid 1267. This variant is rare in the general population with a frequency below the threshold expected for the associated phenotype(s). This variant has been observed in one or more individuals affected with the associated recessive disease, as either homozygous or compound heterozygous with a second variant (PMID: 25130000, 21707886, 12032531, 11721763, 25046119). Computational prediction algorithms indicate this variant is likely to affect gene or protein function. Given the available evidence, this variant is classified as Likely Pathogenic.

Baylor Genetics
Classification: Pathogenic for Wilson disease. Last evaluated: 2024-02-06. Review status: criteria provided, single submitter. Criteria: ACMG Guidelines, 2015. Collection method: clinical testing. Allele origin: unknown.

Counsyl
Classification: Likely pathogenic for Wilson disease. Last evaluated: 2017-06-09. Review status: no assertion criteria provided. Collection method: clinical testing. Allele origin: unknown. Not counted in ClinVar's aggregate classification.

Literature cited by the submitters: PubMed 25130000 (cited by Natera, Inc.); PubMed 21707886 (cited by Natera, Inc.); PubMed 12032531 (cited by Natera, Inc.); PubMed 11721763 (cited by Natera, Inc. and Counsyl); PubMed 25046119 (cited by Natera, Inc. and Counsyl); PubMed 18373411 (cited by Counsyl); PubMed 21982967 (cited by Counsyl); PubMed 21645214 (cited by Counsyl); PubMed 20453399 (cited by Counsyl).

NM_000053.4(ATP7B):c.3800A>C (p.Asp1267Ala)

Gene: ATP7B (ATPase copper transporting beta; minus strand). Cytogenetic location: 13q14.3.
Variant type: single nucleotide variant.
Coding change: c.3800A>C on transcript NM_000053.4 (MANE Select); coding-DNA position 3800, A replaced by C.
Protein change: p.Asp1267Ala; replaces aspartic acid 1267 with alanine.
Molecular consequence: missense variant.
Genome position (GRCh38, 1-based): chr13:51,937,579, T>G on the plus strand (A>C on the coding strand, the complement: ATP7B is on the minus strand). VCF-style: chr13-51937579-T-G. GRCh37 (hg19) VCF-style: chr13-52511715-T-G.
Other names: c.3179A>C, p.Asp1060Ala (NM_001005918.3); c.3467A>C, p.Asp1156Ala (NM_001243182.2); c.3566A>C, p.Asp1189Ala (NM_001330578.2); c.3548A>C, p.Asp1183Ala (NM_001330579.2); short protein forms D1267A, D1156A, D1183A, D1060A, D1189A.
Identifiers: ClinVar variation 552417 (VCV000552417.5), dbSNP rs1555283916, ClinGen allele CA388022010.